The following is an entry in ClinVar:

ClinVar aggregate classification (germline): Uncertain significance (1 of 4 stars; one submission).

Submission:

Ambry Genetics
Classification: Uncertain significance. Last evaluated: 2024-12-29. Review status: criteria provided, single submitter. Criteria: Ambry Variant Classification Scheme 2023. Collection method: clinical testing. Allele origin: germline.
Comment: The p.V329G variant (also known as c.986T>G), located in coding exon 7 of the RINT1 gene, results from a T to G substitution at nucleotide position 986. The valine at codon 329 is replaced by glycine, an amino acid with dissimilar properties. This amino acid position is conserved. In addition, this alteration is predicted to be tolerated by in silico analysis. Based on the available evidence, the clinical significance of this variant remains unclear.

NM_021930.6(RINT1):c.986T>G (p.Val329Gly)

Gene: RINT1 (RAD50 interactor 1; plus strand). Cytogenetic location: 7q22.3.
Variant type: single nucleotide variant.
Coding change: c.986T>G on transcript NM_021930.6 (MANE Select); coding-DNA position 986, T replaced by G.
Protein change: p.Val329Gly; replaces valine 329 with glycine.
Molecular consequence: missense variant. On other transcripts: 5 prime UTR variant (1), non-coding transcript variant (1), intron variant (1).
Genome position (GRCh38, 1-based): chr7:105,548,700, T>G. VCF-style: chr7-105548700-T-G. GRCh37 (hg19) VCF-style: chr7-105189147-T-G.
Other names: c.752T>G, p.Val251Gly (NM_001346599.2); c.-34T>G (NM_001346600.2); c.62T>G, p.Val21Gly (NM_001346601.2); c.-27-1355T>G (NM_001346603.2); short protein forms V329G, V21G, V251G.
Identifiers: ClinVar variation 3789215 (VCV003789215.1).